The following is an entry in ClinVar:

ClinVar aggregate classification (germline): Uncertain significance (1 of 4 stars; one submission).

Conditions:
HYPERHOMOCYSTEINEMIA, THROMBOTIC, CBS-RELATED. Identifiers: MedGen C3150344, OMIM 236200.

Submission:

Labcorp Genetics (formerly Invitae), Labcorp
Classification: Uncertain significance for HYPERHOMOCYSTEINEMIA, THROMBOTIC, CBS-RELATED. Last evaluated: 2022-10-17. Review status: criteria provided, single submitter. Criteria: Invitae Variant Classification Sherloc (09022015). Collection method: clinical testing. Allele origin: germline.
Comment: This sequence change falls in intron 10 of the CBS gene. It does not directly change the encoded amino acid sequence of the CBS protein. It affects a nucleotide within the consensus splice site. This variant is not present in population databases (gnomAD no frequency). This variant has not been reported in the literature in individuals affected with CBS-related conditions. ClinVar contains an entry for this variant (Variation ID: 577260). Variants that disrupt the consensus splice site are a relatively common cause of aberrant splicing (PMID: 17576681, 9536098). Algorithms developed to predict the effect of sequence changes on RNA splicing suggest that this variant may disrupt the consensus splice site. In summary, the available evidence is currently insufficient to determine the role of this variant in disease. Therefore, it has been classified as a Variant of Uncertain Significance.

Literature cited by the submitters: PubMed 17576681; PubMed 9536098.

NM_000071.3(CBS):c.954+5G>T

Gene: CBS (cystathionine beta-synthase; minus strand). Cytogenetic location: 21q22.3.
Variant type: single nucleotide variant.
Coding change: c.954+5G>T on transcript NM_000071.3 (MANE Select); 5 bases into the intron after coding-DNA position 954, G replaced by T.
Molecular consequence: intron variant.
Genome position (GRCh38, 1-based): chr21:43,062,948, C>A on the plus strand (G>T on the coding strand, the complement: CBS is on the minus strand). VCF-style: chr21-43062948-C-A. GRCh37 (hg19) VCF-style: chr21-44483058-C-A.
Other names: c.954+5G>T (NM_001320298.2, NM_001178009.3, NM_001178008.3); c.639+5G>T (NM_001321072.1).
Identifiers: ClinVar variation 577260 (VCV000577260.5), dbSNP rs1568928886, ClinGen allele CA891843623.